The following is an entry in ClinVar:

NM_000156.6(GAMT):c.142C>T (p.Pro48Ser)

Genes: GAMT (guanidinoacetate N-methyltransferase; minus strand), LOC130062945 (ATAC-STARR-seq lymphoblastoid silent region 9707; plus strand). Cytogenetic location: 19p13.3.
Variant type: single nucleotide variant.
Coding change: c.142C>T on transcript NM_000156.6 (MANE Select); coding-DNA position 142, C replaced by T.
Protein change: p.Pro48Ser; replaces proline 48 with serine.
Molecular consequence: missense variant.
Genome position (GRCh38, 1-based): chr19:1,401,335, G>A on the plus strand (C>T on the coding strand, the complement: GAMT is on the minus strand). VCF-style: chr19-1401335-G-A. GRCh37 (hg19) VCF-style: chr19-1401334-G-A.
Other names: c.142C>T, p.Pro48Ser (NM_138924.3); short protein forms P48S.
Identifiers: ClinVar variation 1304798 (VCV001304798.3), dbSNP rs2144641030, ClinGen allele CA402998076.

ClinVar aggregate classification (germline): Uncertain significance (1 of 4 stars; one submission).

Submission:

GeneDx
Classification: Uncertain significance. Last evaluated: 2025-10-15. Review status: criteria provided, single submitter. Criteria: GeneDx Variant Classification Process June 2021. Collection method: clinical testing. Allele origin: germline. Affected: yes.
Comment: Has not been previously published as pathogenic or benign to our knowledge; In silico analysis supports that this missense variant has a deleterious effect on protein structure/function; Not observed at significant frequency in large population cohorts (gnomAD)